The following is an entry in ClinVar:

ClinVar aggregate classification (germline): Benign/Likely benign. Review status: criteria provided, multiple submitters, no conflicts (2 of 4 stars). 3 submissions from 3 submitters: Benign (1); Likely benign (1). 1 of the submissions does not count toward it. Last evaluated 2025-05-01.

Conditions:
COL4A2-related disorder. Also called: COL4A2-related disorders; COL4A2-related condition.

Allele frequency attached by ClinVar (database versions not stated): gnomAD below 0.00001 and 0.00009; TOPMed 0.00001; gnomAD exomes 0.00011 and 0.00027; ExAC 0.00024; 1000 Genomes Project 30x 0.00062; 1000 Genomes Project 0.00080.
gnomAD v4.1: 179 of 1,613,754 alleles (0.011%); highest among the groups gnomAD compares: South Asian, 0.17%; 2 homozygotes.

Submissions (3):

CeGaT Center for Human Genetics Tuebingen
Classification: Likely benign. Last evaluated: 2025-05-01. Review status: criteria provided, single submitter. Criteria: CeGaT Center For Human Genetics Tuebingen Variant Classification Criteria Version 2. Collection method: clinical testing. Allele origin: germline. Affected: yes. Observed: 1 variant allele.
Comment: COL4A2: BP4, BP7

Labcorp Genetics (formerly Invitae), Labcorp
Classification: Benign. Last evaluated: 2025-04-08. Review status: criteria provided, single submitter. Criteria: Invitae Variant Classification Sherloc (09022015). Collection method: clinical testing. Allele origin: germline.

PreventionGenetics, part of Exact Sciences
Classification: Likely benign for COL4A2-related condition. Last evaluated: 2020-05-04. Review status: no assertion criteria provided. Collection method: clinical testing. Allele origin: germline. Not counted in ClinVar's aggregate classification.
Comment: This variant is classified as likely benign based on ACMG/AMP sequence variant interpretation guidelines (Richards et al. 2015 PMID: 25741868, with internal and published modifications).

NM_001846.4(COL4A2):c.3984C>T (p.Ala1328=)

Genes: COL4A2 (collagen type IV alpha 2 chain; plus strand), COL4A2-AS1 (COL4A2 antisense RNA 1; minus strand). Cytogenetic location: 13q34.
Variant type: single nucleotide variant.
Coding change: c.3984C>T on transcript NM_001846.4 (MANE Select); coding-DNA position 3984, C replaced by T.
Protein change: p.Ala1328=; no amino-acid change (alanine 1328 retained).
Molecular consequence: synonymous variant.
Genome position (GRCh38, 1-based): chr13:110,503,227, C>T. VCF-style: chr13-110503227-C-T. GRCh37 (hg19) VCF-style: chr13-111155574-C-T.
Identifiers: ClinVar variation 723339 (VCV000723339.18), dbSNP rs538131418, ClinGen allele CA7050369.